The following is an entry in ClinVar:

ClinVar aggregate classification (germline): Pathogenic (1 of 4 stars; one submission).

Conditions:
Mucopolysaccharidosis, MPS-II (MPS2). Also called: Hunter Syndrome; IDURONATE 2-SULFATASE DEFICIENCY; Mucopolysaccharidosis Type II; Mucopolysaccharidosis type 2; Attenuated MPS (subtype; formerly known as mild MPS II); Severe MPS II. Identifiers: Orphanet 580, Orphanet 79388, MedGen C0026705, MONDO:0010674, OMIM 309900.

Submission:

Laboratory of Diagnosis and Therapy of Lysosomal Disorders, University of Padova
Classification: Pathogenic for Mucopolysaccharidosis, MPS-II. Last evaluated: 2024-06-07. Review status: criteria provided, single submitter. Criteria: ACMG Guidelines, 2015. Collection method: literature only. Allele origin: germline. Affected: yes. Observed: 1 variant allele.
Comment: Null variant (PVS1_VeryStrong), Absent from controls (or at low frequency) in gnomAD database (PM2_Moderate), Patient’s phenotype or family history highly specific for the disease (PP4_Moderate)

Classification method: ACMG Guidelines [PMID:25741868] with modifications

Literature cited by the submitters: PubMed 27883178.

NM_000202.8(IDS):c.559del (p.Asp187fs)

Genes: IDS (iduronate 2-sulfatase; minus strand), LOC106050102 (IDS recombination region; plus strand). Cytogenetic location: Xq28.
Variant type: Deletion.
Coding change: c.559del on transcript NM_000202.8 (MANE Select); coding-DNA position 559, one base deleted (G; older notation c.559delG).
Protein change: p.Asp187fs; shifts the reading frame from aspartic acid 187.
Molecular consequence: frameshift variant. On other transcripts: non-coding transcript variant (1).
Genome position (GRCh38, 1-based): chrX:149,498,256, C deleted on the plus strand (G on the coding strand, the reverse complement: IDS is on the minus strand); the first of 2 consecutive C bases (chrX:149,498,256-149,498,257); deleting either gives the same sequence. VCF-style (leftmost placement, unchanged base first): chrX-149498255-TC-T. GRCh37 (hg19) VCF-style: chrX-148579786-TC-T.
Other names: c.289del, p.Asp97fs (NM_001166550.4); c.559del, p.Asp187fs (NM_006123.5); short protein forms D187fs, D97fs.
Identifiers: ClinVar variation 3255768 (VCV003255768.2).